The following is an entry in ClinVar:

ClinVar aggregate classification (germline): Uncertain significance. Review status: criteria provided, multiple submitters, no conflicts (2 of 4 stars). 2 submissions from 2 submitters: Uncertain significance (2). Last evaluated 2025-10-29.

Allele frequency attached by ClinVar (database versions not stated): gnomAD exomes 0.00001; 1000 Genomes Project 30x 0.00031.
gnomAD v4.1: 18 of 1,251,538 alleles (0.0014%); highest among the groups gnomAD compares: South Asian, 0.049%; no homozygotes.

Submissions (2):

Ambry Genetics
Classification: Uncertain significance. Last evaluated: 2025-10-29. Review status: criteria provided, single submitter. Criteria: Ambry Variant Classification Scheme 2023. Collection method: clinical testing. Allele origin: germline.

Labcorp Genetics (formerly Invitae), Labcorp
Classification: Uncertain significance. Last evaluated: 2022-07-07. Review status: criteria provided, single submitter. Criteria: Invitae Variant Classification Sherloc (09022015). Collection method: clinical testing. Allele origin: germline.
Comment: This sequence change replaces proline, which is neutral and non-polar, with serine, which is neutral and polar, at codon 899 of the CACNA1B protein (p.Pro899Ser). This variant is present in population databases (no rsID available, gnomAD no frequency). This variant has not been reported in the literature in individuals affected with CACNA1B-related conditions. Advanced modeling of protein sequence and biophysical properties (such as structural, functional, and spatial information, amino acid conservation, physicochemical variation, residue mobility, and thermodynamic stability) performed at Invitae indicates that this missense variant is not expected to disrupt CACNA1B protein function. In summary, the available evidence is currently insufficient to determine the role of this variant in disease. Therefore, it has been classified as a Variant of Uncertain Significance.

NM_000718.4(CACNA1B):c.2695C>T (p.Pro899Ser)

Gene: CACNA1B (calcium voltage-gated channel subunit alpha1 B; plus strand). Cytogenetic location: 9q34.3.
Variant type: single nucleotide variant.
Coding change: c.2695C>T on transcript NM_000718.4 (MANE Select); coding-DNA position 2695, C replaced by T.
Protein change: p.Pro899Ser; replaces proline 899 with serine.
Molecular consequence: missense variant.
Genome position (GRCh38, 1-based): chr9:138,023,438, C>T. VCF-style: chr9-138023438-C-T. GRCh37 (hg19) VCF-style: chr9-140917890-C-T.
Other names: c.2695C>T (NM_000718.3); c.2695C>T, p.Pro899Ser (NM_001243812.2); short protein forms P899S.
Identifiers: ClinVar variation 1979710 (VCV001979710.4), dbSNP rs1049241084, ClinGen allele CA375809940.
Genomic context (GRCh38, chr9:138,023,438, plus strand): 5'-CCCGGTGCCCGGGAGGAGCGGCCGCGGCCGCACCGCAGCCACAGCAAGGAGGCCGCGGGG[C>T]CCCCGGAGGCGCGGAGCGAGCGCGGCCGAGGCCCAGGCCCCGAGGGCGGCCGGCGGCACC-3'
Protein context (NP_000709.1, residues 889-909): HRSHSKEAAG[Pro899Ser]PEARSERGRG